The following is an entry in ClinVar:

ClinVar aggregate classification (germline): Uncertain significance. Review status: criteria provided, multiple submitters, no conflicts (2 of 4 stars). 3 submissions from 3 submitters: Uncertain significance (3). Last evaluated 2025-10-28.

Conditions:
Inborn genetic diseases. Identifiers: MedGen C0950123, MeSH D030342.
Achromatopsia 4 (ACHM4). Identifiers: Orphanet 49382, MedGen C1841721, MONDO:0013465, OMIM 613856.

Allele frequency attached by ClinVar (database versions not stated): ExAC 0.00003; gnomAD exomes 0.00004 and 0.00009; gnomAD 0.00008 and 0.00009; TOPMed 0.00009; ESP Exome Variant Server 0.00015.
gnomAD v4.1: 143 of 1,578,380 alleles (0.0091%); highest among the groups gnomAD compares: Non-Finnish European, 0.012%; no homozygotes.

Submissions (3):

Ambry Genetics
Classification: Uncertain significance for Inborn genetic diseases. Last evaluated: 2025-10-28. Review status: criteria provided, single submitter. Criteria: Ambry Variant Classification Scheme 2023. Collection method: clinical testing. Allele origin: germline.

Labcorp Genetics (formerly Invitae), Labcorp
Classification: Uncertain significance. Last evaluated: 2024-01-22. Review status: criteria provided, single submitter. Criteria: Invitae Variant Classification Sherloc (09022015). Collection method: clinical testing. Allele origin: germline.
Comment: This sequence change replaces leucine, which is neutral and non-polar, with phenylalanine, which is neutral and non-polar, at codon 353 of the GNAT2 protein (p.Leu353Phe). This variant is present in population databases (rs61754627, gnomAD 0.01%). This variant has not been reported in the literature in individuals affected with GNAT2-related conditions. ClinVar contains an entry for this variant (Variation ID: 942299). Advanced modeling of protein sequence and biophysical properties (such as structural, functional, and spatial information, amino acid conservation, physicochemical variation, residue mobility, and thermodynamic stability) performed at Invitae indicates that this missense variant is expected to disrupt GNAT2 protein function with a positive predictive value of 80%. In summary, the available evidence is currently insufficient to determine the role of this variant in disease. Therefore, it has been classified as a Variant of Uncertain Significance.

Genome-Nilou Lab
Classification: Uncertain significance for Achromatopsia 4. Last evaluated: 2023-04-11. Review status: criteria provided, single submitter. Criteria: ACMG Guidelines, 2015. Collection method: clinical testing. Allele origin: germline. Affected: no.

NM_001377295.2(GNAT2):c.1057C>T (p.Leu353Phe)

Gene: GNAT2 (G protein subunit alpha transducin 2; minus strand). Cytogenetic location: 1p13.3.
Variant type: single nucleotide variant.
Coding change: c.1057C>T on transcript NM_001377295.2 (MANE Select); coding-DNA position 1057, C replaced by T.
Protein change: p.Leu353Phe; replaces leucine 353 with phenylalanine.
Molecular consequence: missense variant.
Genome position (GRCh38, 1-based): chr1:109,603,362, G>A on the plus strand (C>T on the coding strand, the complement: GNAT2 is on the minus strand). VCF-style: chr1-109603362-G-A. GRCh37 (hg19) VCF-style: chr1-110145984-G-A.
Other names: c.1057C>T, p.Leu353Phe (NM_001379232.1, NM_005272.5); short protein forms L353F.
Identifiers: ClinVar variation 942299 (VCV000942299.10), dbSNP rs61754627, ClinGen allele CA992254.
Genomic context (GRCh38, chr1:109,603,362, plus strand): 5'-TACCCAGATTCCAAGCCTGTTTATAGAACTTATACCTGAGGAATGGTGAGGATTAGAAGA[G>A]GCCGCAGTCCTTGAGGTTTTCTTTGATGATAATATCTGTAACTGCATCAAACACAAATTT-3'
Protein context (NP_001364224.1, residues 343-354): IIKENLKDCG[Leu353Phe]F